The following is an entry in ClinVar:

ClinVar aggregate classification (germline): Pathogenic (1 of 4 stars; one submission).

Conditions:
Seizures, benign familial neonatal, 1. Also called: KCNQ2-Related Benign Familial Neonatal Epilepsy; Benign Neonatal Epilepsy 1; KCNQ2-Related Self-Limited Familial Neonatal Epilepsy (SLFNE); Seizures, benign neonatal, 1. Identifiers: Orphanet 1949, MedGen C3149074, MONDO:0007365, OMIM 121200.

Submission:

Institute of Human Genetics, University of Leipzig Medical Center
Classification: Pathogenic for Seizures, benign familial neonatal, 1. Last evaluated: 2024-04-22. Review status: criteria provided, single submitter. Criteria: ACMG Guidelines, 2015. Collection method: clinical testing. Allele origin: unknown. Inheritance: Autosomal dominant inheritance. Affected: yes.
Comment: Criteria applied: PVS1,PS4_SUP,PM2_SUP

NM_172107.4(KCNQ2):c.2118del (p.Ala707fs)

Gene: KCNQ2 (potassium voltage-gated channel subfamily Q member 2; minus strand). Cytogenetic location: 20q13.33.
Variant type: Deletion.
Coding change: c.2118del on transcript NM_172107.4 (MANE Select); coding-DNA position 2118, one base deleted (C; older notation c.2118delC).
Protein change: p.Ala707fs; shifts the reading frame from alanine 707.
Molecular consequence: frameshift variant.
Genome position (GRCh38, 1-based): chr20:63,407,145, G deleted on the plus strand (C on the coding strand, the reverse complement: KCNQ2 is on the minus strand); the first of 2 consecutive G bases (chr20:63,407,145-63,407,146); deleting either gives the same sequence. VCF-style (leftmost placement, unchanged base first): chr20-63407144-CG-C. GRCh37 (hg19) VCF-style: chr20-62038497-CG-C.
Other names: c.2172del, p.Ala725fs (NM_001382235.1); c.2034del, p.Ala679fs (NM_004518.6); c.2064del, p.Ala689fs (NM_172106.3); c.2025del, p.Ala676fs (NM_172108.5); short protein forms A676fs, A679fs, A689fs, A707fs, A725fs.
Identifiers: ClinVar variation 3358977 (VCV003358977.2).